The following is an entry in ClinVar:

ClinVar aggregate classification (germline): Pathogenic. Review status: criteria provided, multiple submitters, no conflicts (2 of 4 stars). 2 submissions from 2 submitters: Pathogenic (2). Last evaluated 2026-04-10.

Conditions:
Glycogen storage disease, type II (IOPD). Also called: CARDIOMEGALIA GLYCOGENICA DIFFUSA; GLYCOGENOSIS, GENERALIZED, CARDIAC FORM; GSD II; POMPE DISEASE, INFANTILE-ONSET; GLYCOGEN STORAGE DISEASE II, INFANTILE-ONSET; ACID ALPHA-GLUCOSIDASE DEFICIENCY, INFANTILE-ONSET. Identifiers: Orphanet 365, MedGen C0017921, MONDO:0009290, OMIM 232300.

Allele frequency attached by ClinVar (database versions not stated): gnomAD exomes below 0.00001; ExAC 0.00001.

Submissions (2):

Myriad Genetics, Inc.
Classification: Pathogenic for Glycogen storage disease, type II. Last evaluated: 2026-04-10. Review status: criteria provided, single submitter. Criteria: Myriad Autosomal Dominant, Autosomal Recessive and X-Linked Classification Criteria (2023). Collection method: clinical testing. Allele origin: unknown.
Comment: NM_000152.3(GAA):c.1198delG(V400Sfs*40) is expected to be pathogenic in the context of Pompe disease. This variant is predicted to lead to an abnormal or absent protein product due to the creation of a premature termination codon in GAA, a gene where loss-of-function variants are known to be pathogenic. Please note: this variant was assessed in the context of healthy population screening.

Labcorp Genetics (formerly Invitae), Labcorp
Classification: Pathogenic for Glycogen storage disease, type II. Last evaluated: 2022-10-19. Review status: criteria provided, single submitter. Criteria: Invitae Variant Classification Sherloc (09022015). Collection method: clinical testing. Allele origin: germline.
Comment: For these reasons, this variant has been classified as Pathogenic. This variant has not been reported in the literature in individuals affected with GAA-related conditions. This variant is present in population databases (rs780928895, gnomAD 0.0009%). This sequence change creates a premature translational stop signal (p.Val400Serfs*40) in the GAA gene. It is expected to result in an absent or disrupted protein product. Loss-of-function variants in GAA are known to be pathogenic (PMID: 18425781, 22252923).

Literature cited by the submitters: PubMed 18425781 (cited by Labcorp Genetics (formerly Invitae), Labcorp); PubMed 22252923 (cited by Labcorp Genetics (formerly Invitae), Labcorp).

NM_000152.5(GAA):c.1198del (p.Val400fs)

Gene: GAA (alpha glucosidase; plus strand). Cytogenetic location: 17q25.3.
Variant type: Deletion.
Coding change: c.1198del on transcript NM_000152.5 (MANE Select); coding-DNA position 1198, one base deleted (G; older notation c.1198delG).
Protein change: p.Val400fs; shifts the reading frame from valine 400.
Molecular consequence: frameshift variant.
Genome position (GRCh38, 1-based): chr17:80,108,700, G deleted. VCF-style (leftmost placement, unchanged base first): chr17-80108699-CG-C. GRCh37 (hg19) VCF-style: chr17-78082498-CG-C.
Other names: c.1198del, p.Val400fs (NM_001406741.1, NM_001406742.1, NM_001079803.3 and 1 more transcripts); short protein forms V400fs.
Identifiers: ClinVar variation 2808933 (VCV002808933.4), dbSNP rs780928895, ClinGen allele CA8815231.